The following is an entry in ClinVar:

ClinVar aggregate classification (germline): Uncertain significance. Review status: criteria provided, multiple submitters, no conflicts (2 of 4 stars). 2 submissions from 2 submitters: Uncertain significance (2). Last evaluated 2024-05-01.

Conditions:
Congenital disorder of glycosylation type 1E (CDG1E). Also called: CDG Ie; CONGENITAL DISORDER OF GLYCOSYLATION, TYPE Ie. Identifiers: Orphanet 79322, MedGen C1837396, MONDO:0012123, OMIM 608799.

Allele frequency attached by ClinVar (database versions not stated): gnomAD exomes 0.00004 and 0.00014; ExAC 0.00015; 1000 Genomes Project 30x 0.00016; 1000 Genomes Project 0.00020; gnomAD 0.00030 and 0.00034; ESP Exome Variant Server 0.00038; TOPMed 0.00040.
gnomAD v4.1: 98 of 1,613,364 alleles (0.0061%); highest among the groups gnomAD compares: African/African-American, 0.087%; no homozygotes.

Submissions (2):

Greenwood Genetic Center Diagnostic Laboratories, Greenwood Genetic Center
Classification: Uncertain significance. Last evaluated: 2024-05-01. Review status: criteria provided, single submitter. Criteria: ACMG Guidelines, 2015. Collection method: clinical testing. Allele origin: germline. Affected: yes.
Comment: PM2

Labcorp Genetics (formerly Invitae), Labcorp
Classification: Uncertain significance for Congenital disorder of glycosylation type 1E. Last evaluated: 2022-10-17. Review status: criteria provided, single submitter. Criteria: Invitae Variant Classification Sherloc (09022015). Collection method: clinical testing. Allele origin: germline.
Comment: This sequence change replaces serine, which is neutral and polar, with glycine, which is neutral and non-polar, at codon 7 of the DPM1 protein (p.Ser7Gly). This variant is present in population databases (rs147804856, gnomAD 0.09%). This variant has not been reported in the literature in individuals affected with DPM1-related conditions. ClinVar contains an entry for this variant (Variation ID: 661518). Algorithms developed to predict the effect of missense changes on protein structure and function output the following: SIFT: "Deleterious"; PolyPhen-2: "Benign"; Align-GVGD: "Class C0". The glycine amino acid residue is found in multiple mammalian species, which suggests that this missense change does not adversely affect protein function. In summary, the available evidence is currently insufficient to determine the role of this variant in disease. Therefore, it has been classified as a Variant of Uncertain Significance.

NM_003859.3(DPM1):c.19A>G (p.Ser7Gly)

Genes: DPM1 (dolichyl-phosphate mannosyltransferase subunit 1, catalytic; minus strand), LOC130066166 (ATAC-STARR-seq lymphoblastoid active region 18108; plus strand). Cytogenetic location: 20q13.13.
Variant type: single nucleotide variant.
Coding change: c.19A>G on transcript NM_003859.3 (MANE Select); coding-DNA position 19, A replaced by G.
Protein change: p.Ser7Gly; replaces serine 7 with glycine.
Molecular consequence: missense variant. On other transcripts: non-coding transcript variant (1).
Genome position (GRCh38, 1-based): chr20:50,958,505, T>C on the plus strand (A>G on the coding strand, the complement: DPM1 is on the minus strand). VCF-style: chr20-50958505-T-C. GRCh37 (hg19) VCF-style: chr20-49575042-T-C.
Other names: c.19A>G, p.Ser7Gly (NM_001317034.1, NM_001317035.1, NM_001317036.1); c.19A>G (NM_003859.2); short protein forms S7G.
Identifiers: ClinVar variation 661518 (VCV000661518.5), dbSNP rs147804856, ClinGen allele CA9909275.